The following is an entry in ClinVar:

NM_017780.4(CHD7):c.1135C>G (p.Gln379Glu)

Gene: CHD7 (chromodomain helicase DNA binding protein 7; plus strand). Cytogenetic location: 8q12.2.
Variant type: single nucleotide variant.
Coding change: c.1135C>G on transcript NM_017780.4 (MANE Select); coding-DNA position 1135, C replaced by G.
Protein change: p.Gln379Glu; replaces glutamine 379 with glutamic acid.
Molecular consequence: missense variant.
Genome position (GRCh38, 1-based): chr8:60,742,567, C>G. VCF-style: chr8-60742567-C-G. GRCh37 (hg19) VCF-style: chr8-61655126-C-G.
Other names: c.1135C>G, p.Gln379Glu (NM_001316690.1); short protein forms Q379E.
Identifiers: ClinVar variation 4741411 (VCV004741411.1).

ClinVar aggregate classification (germline): Uncertain significance (1 of 4 stars; one submission).

Conditions:
CHARGE syndrome (CHARGE). Also called: Hittner Hirsch Kreh syndrome; CHARGE ASSOCIATION--COLOBOMA, HEART ANOMALY, CHOANAL ATRESIA, RETARDATION, GENITAL AND EAR ANOMALIES; Coloboma, heart anomaly, choanal atresia, retardation, genital and ear anomalies; CHARGE association; Hall-Hittner syndrome. Identifiers: Orphanet 138, MedGen C0265354, MONDO:0008965.

gnomAD v4.1: 3 of 1,614,014 alleles (0.00019%); highest among the groups gnomAD compares: Non-Finnish European, 0.00025%; no homozygotes.

Submission:

Labcorp Genetics (formerly Invitae), Labcorp
Classification: Uncertain significance for CHARGE syndrome. Last evaluated: 2025-12-24. Review status: criteria provided, single submitter. Criteria: Invitae Variant Classification Sherloc (09022015). Collection method: clinical testing. Allele origin: germline.
Comment: This sequence change replaces glutamine, which is neutral and polar, with glutamic acid, which is acidic and polar, at codon 379 of the CHD7 protein (p.Gln379Glu). This variant is not present in population databases (gnomAD no frequency). This variant has not been reported in the literature in individuals affected with CHD7-related conditions. Invitae Evidence Modeling of protein sequence and biophysical properties (such as structural, functional, and spatial information, amino acid conservation, physicochemical variation, residue mobility, and thermodynamic stability) indicates that this missense variant is not expected to disrupt CHD7 protein function with a negative predictive value of 95%. In summary, the available evidence is currently insufficient to determine the role of this variant in disease. Therefore, it has been classified as a Variant of Uncertain Significance.